The following is an entry in ClinVar:

NM_000303.3(PMM2):c.723_729del (p.Glu242fs)

Gene: PMM2 (phosphomannomutase 2; plus strand). Cytogenetic location: 16p13.2.
Variant type: Deletion.
Coding change: c.723_729del on transcript NM_000303.3 (MANE Select); coding-DNA positions 723 to 729, 7 bases deleted (TGAACTG; older notation c.723_729delTGAACTG).
Protein change: p.Glu242fs; shifts the reading frame from glutamic acid 242.
Molecular consequence: frameshift variant.
Genome position (GRCh38, 1-based): chr16:8,847,807-8,847,813, TGAACTG deleted; deleting any 7 consecutive bases within chr16:8,847,804-8,847,813 gives the same sequence; the c. name uses the placement nearest the transcript's 3' end. VCF-style (leftmost placement, unchanged base first): chr16-8847803-TCTGTGAA-T. GRCh37 (hg19) VCF-style: chr16-8941660-TCTGTGAA-T.
Other names: short protein forms E242fs.
Identifiers: ClinVar variation 5004057 (VCV005004057.1).
Genomic context (GRCh38, chr16:8,847,803, plus strand): 5'-TCTTCACAGACCCCAGAACCATGGGCTACTCCGTGACAGCGCCTGAGGACACGCGCAGGA[TCTGTGAA>T]CTGCTGTTCTCCTAACGTGGGAGCGGGAGGGGCGGGGTCCCGGCTGACAAGCCAGCATAG-3'

ClinVar aggregate classification (germline): Uncertain significance (1 of 4 stars; one submission).

Conditions:
PMM2-congenital disorder of glycosylation. Also called: Congenital disorder of glycosylation, type Ia; PHOSPHOMANNOMUTASE 2 DEFICIENCY; CARBOHYDRATE-DEFICIENT GLYCOPROTEIN SYNDROME, TYPE Ia; CDG Ia; JAEKEN SYNDROME; PMM2-CDG. Identifiers: Orphanet 79318, MedGen C0349653, MONDO:0008907, OMIM 212065.

Submission:

Myriad Genetics, Inc.
Classification: Uncertain significance for PMM2-congenital disorder of glycosylation. Last evaluated: 2026-02-03. Review status: criteria provided, single submitter. Criteria: Myriad Autosomal Dominant, Autosomal Recessive and X-Linked Classification Criteria (2023). Collection method: clinical testing. Allele origin: unknown.
Comment: NM_000303.2(PMM2):c.723_729del7(E242Cfs*89) is a readthrough frameshift variant classified as a variant of uncertain significance in the context of congenital disorder of glycosylation, PMM2-related. E242Cfs*89 has not been observed in cases with relevant disease. Relevant functional assessments of this variant are not available in the literature. E242Cfs*89 has not been observed in referenced population frequency databases. In summary, there is insufficient evidence to classify NM_000303.2(PMM2):c.723_729del7(E242Cfs*89) as pathogenic or benign. Please note: this variant was assessed in the context of healthy population screening.